The following is an entry in ClinVar:

ClinVar aggregate classification (germline): Conflicting classifications of pathogenicity. Review status: criteria provided, conflicting classifications (1 of 4 stars). 3 submissions from 3 submitters: Uncertain significance (2); Likely benign (1). Last evaluated 2025-04-09.

Conditions:
Inborn genetic diseases. Identifiers: MedGen C0950123, MeSH D030342.

Allele frequency attached by ClinVar (database versions not stated): TOPMed 0.00005; ExAC 0.00018; gnomAD 0.00006.
gnomAD v4.1: 44 of 1,507,802 alleles (0.0029%); highest among the groups gnomAD compares: Admixed American, 0.0083%; no homozygotes.

Submissions (3):

ARUP Laboratories, Molecular Genetics and Genomics, ARUP Laboratories
Classification: Uncertain significance. Last evaluated: 2025-04-09. Review status: criteria provided, single submitter. Criteria: ARUP Molecular Germline Variant Investigation Process 2024. Collection method: clinical testing. Allele origin: germline.
Comment: The PIEZO1 c.5648G>A; p.Arg1883Gln variant (rs766662645), to our knowledge, is not reported in the medical literature but is reported in ClinVar (Variation ID: 3212691). This variant is found in the general population with an overall allele frequency of 0.0057% (7/122900 alleles) in the Genome Aggregation Database (v2.1.1). Additionally, another variant at this codon (c.5647C>T; p.Arg1883Trp) has been reported in an individual with Ehlers-Danlos syndrome, although its clinical significance was uncertain (Vandersteen 2024). Computational analyses predict that the p.Arg1883Gln variant is neutral (REVEL: 0.094). Due to conflicting information, the clinical significance of this variant is uncertain at this time. References: Vandersteen et al. Genetic complexity of diagnostically unresolved Ehlers-Danlos syndrome. J Med Genet. 2024 Feb 21;61(3):232-238. PMID: 37813462.

Ambry Genetics
Classification: Likely benign for Inborn genetic diseases. Last evaluated: 2023-11-22. Review status: criteria provided, single submitter. Criteria: Ambry Variant Classification Scheme 2023. Collection method: clinical testing. Allele origin: germline.

Clinical Genetics Laboratory, Skane University Hospital Lund
Classification: Uncertain significance. Last evaluated: 2022-07-07. Review status: criteria provided, single submitter. Criteria: ACMG Guidelines, 2015. Collection method: clinical testing. Allele origin: germline. Affected: yes.

NM_001142864.4(PIEZO1):c.5648G>A (p.Arg1883Gln)

Gene: PIEZO1 (piezo type mechanosensitive ion channel component 1 (Er blood group); minus strand). Cytogenetic location: 16q24.3.
Variant type: single nucleotide variant.
Coding change: c.5648G>A on transcript NM_001142864.4 (MANE Select); coding-DNA position 5648, G replaced by A.
Protein change: p.Arg1883Gln; replaces arginine 1883 with glutamine.
Molecular consequence: missense variant.
Genome position (GRCh38, 1-based): chr16:88,721,186, C>T on the plus strand (G>A on the coding strand, the complement: PIEZO1 is on the minus strand). VCF-style: chr16-88721186-C-T. GRCh37 (hg19) VCF-style: chr16-88787594-C-T.
Other names: c.4190G>A, p.Arg1397Gln (NM_014745.1); short protein forms R1883Q, R1397Q.
Identifiers: ClinVar variation 3212691 (VCV003212691.3), dbSNP rs766662645, ClinGen allele CA8231826.